The following is an entry in ClinVar:

NM_000540.3(RYR1):c.10729C>T (p.Arg3577Trp)

Gene: RYR1 (ryanodine receptor 1; plus strand). Cytogenetic location: 19q13.2.
Variant type: single nucleotide variant.
Coding change: c.10729C>T on transcript NM_000540.3 (MANE Select); coding-DNA position 10729, C replaced by T.
Protein change: p.Arg3577Trp; replaces arginine 3577 with tryptophan.
Molecular consequence: missense variant.
Genome position (GRCh38, 1-based): chr19:38,527,689, C>T. VCF-style: chr19-38527689-C-T. GRCh37 (hg19) VCF-style: chr19-39018329-C-T.
Other names: c.10714C>T, p.Arg3572Trp (NM_001042723.2); short protein forms R3577W, R3572W.
Identifiers: ClinVar variation 450857 (VCV000450857.16), dbSNP rs538497899, ClinGen allele CA054564.
Genomic context (GRCh38, chr19:38,527,689, plus strand): 5'-CCTTCTTCCTCCCTTCAGGTCGAAGGCTCCCCGTCTCTGCGCTGGCAGATGGCTCTGTAC[C>T]GGGGCGTCCCGGGTCGCGAGGAGGACGCCGATGACCCCGAGAAAATCGTGCGCAGAGTCC-3'
Protein context (NP_000531.2, residues 3567-3587): PSLRWQMALY[Arg3577Trp]GVPGREEDAD

ClinVar aggregate classification (germline): Conflicting classifications of pathogenicity. Review status: criteria provided, conflicting classifications (1 of 4 stars). 5 submissions from 5 submitters: Uncertain significance (3); Likely benign (2). Last evaluated 2025-11-08.

Conditions:
RYR1-related disorder. Also called: RYR1-related condition; RYR1-related disorders. Identifiers: MedGen CN239331.
Malignant hyperthermia, susceptibility to, 1 (MHS1). Also called: RYR1-Related Malignant Hyperthermia Susceptibility; Malignant hyperthermia suceptibility 1; Anesthesia related hyperthermia; Malignant hyperpyrexia; Fulminating hyperpyrexia; Pharmacogenic myopathy. Identifiers: Orphanet 423, MedGen C2930980, MONDO:0007783, OMIM 145600.

Allele frequency attached by ClinVar (database versions not stated): gnomAD 0.00002 and 0.00005; gnomAD exomes 0.00004 and 0.00010; TOPMed 0.00006; ExAC 0.00013; 1000 Genomes Project 0.00060; 1000 Genomes Project 30x 0.00062.
gnomAD v4.1: 65 of 1,614,126 alleles (0.004%); highest among the groups gnomAD compares: East Asian, 0.047%; no homozygotes.

Submissions (5):

Labcorp Genetics (formerly Invitae), Labcorp
Classification: Likely benign for RYR1-related disorder. Last evaluated: 2025-11-08. Review status: criteria provided, single submitter. Criteria: Invitae Variant Classification Sherloc (09022015). Collection method: clinical testing. Allele origin: germline.

Women's Health and Genetics/Laboratory Corporation of America, LabCorp
Classification: Uncertain significance. Last evaluated: 2024-12-26. Review status: criteria provided, single submitter. Criteria: LabCorp Variant Classification Summary - May 2015. Collection method: clinical testing. Allele origin: germline.
Comment: Variant summary: RYR1 c.10729C>T (p.Arg3577Trp) results in a non-conservative amino acid change in the encoded protein sequence. Three of four in-silico tools predict a damaging effect of the variant on protein function. The variant allele was found at a frequency of 9.6e-05 in 250956 control chromosomes. This frequency is not significantly higher than estimated for a pathogenic variant in RYR1 causing Congenital Multicore Myopathy With External Ophthalmoplegia, allowing no conclusion about variant significance. c.10729C>T has been reported in the literature in individuals affected with clinical features of congenital myopathy (Izackson_2018, Dosi_2023, Ivernizzi_2024). These report(s) do not provide unequivocal conclusions about association of the variant with Congenital Multicore Myopathy With External Ophthalmoplegia. To our knowledge, no experimental evidence demonstrating an impact on protein function has been reported. The following publications have been ascertained in the context of this evaluation (PMID: 36833224, 37510298, 30325262). ClinVar contains an entry for this variant (Variation ID: 450857). Based on the evidence outlined above, the variant was classified as uncertain significance.

Color Diagnostics, LLC DBA Color Health
Classification: Likely benign for Malignant hyperthermia, susceptibility to, 1. Last evaluated: 2022-12-19. Review status: criteria provided, single submitter. Criteria: ACMG Guidelines, 2015. Collection method: clinical testing. Allele origin: germline.

Revvity Omics, Revvity
Classification: Uncertain significance. Last evaluated: 2019-12-16. Review status: criteria provided, single submitter. Criteria: ACMG Guidelines, 2015. Collection method: clinical testing. Allele origin: germline.

GeneDx
Classification: Uncertain significance. Last evaluated: 2017-07-28. Review status: criteria provided, single submitter. Criteria: GeneDx Variant Classification (06012015). Collection method: clinical testing. Allele origin: germline. Affected: yes.
Comment: A variant of uncertain significance has been identified in the RYR1 gene. The R3577W variant has not been published as a pathogenic variant, nor has it been reported as a benign variant to our knowledge. The R3577W variant is observed in 11/8611 (0.1%) alleles from individuals of East Asian background (Lek et al., 2016; 1000 Genomes Consortium et al., 2015; Exome Variant Server). The R3577W variant is a non-conservative amino acid substitution, which is likely to impact secondary protein structure as these residues differ in polarity, charge, size and/or other properties. This substitution occurs at a position that is conserved in mammals. However, in silico analysis is inconsistent in its predictions as to whether or not the variant is damaging to the protein structure/function. Therefore, based on the currently available information, it is unclear whether this variant is a pathogenic variant or a rare benign variant.

Literature cited by the submitters: PubMed 30325262 (cited by Women's Health and Genetics/Laboratory Corporation of America, LabCorp); PubMed 37510298 (cited by Women's Health and Genetics/Laboratory Corporation of America, LabCorp); PubMed 36833224 (cited by Women's Health and Genetics/Laboratory Corporation of America, LabCorp).